The following is an entry in ClinVar:

NM_001025603.2(RFX5):c.1225C>T (p.Pro409Ser)

Gene: RFX5 (regulatory factor X5; minus strand). Cytogenetic location: 1q21.3.
Variant type: single nucleotide variant.
Coding change: c.1225C>T on transcript NM_001025603.2 (MANE Select); coding-DNA position 1225, C replaced by T.
Protein change: p.Pro409Ser; replaces proline 409 with serine.
Molecular consequence: missense variant.
Genome position (GRCh38, 1-based): chr1:151,342,812, G>A on the plus strand (C>T on the coding strand, the complement: RFX5 is on the minus strand). VCF-style: chr1-151342812-G-A. GRCh37 (hg19) VCF-style: chr1-151315288-G-A.
Other names: c.1225C>T, p.Pro409Ser (NM_001379418.1, NM_000449.4, NM_001379412.1 and 5 more transcripts); c.1105C>T, p.Pro369Ser (NM_001379419.1, NM_001379420.1); short protein forms P369S, P409S.
Identifiers: ClinVar variation 1515193 (VCV001515193.8), dbSNP rs1650592357, ClinGen allele CA341928444.

ClinVar aggregate classification (germline): Uncertain significance (1 of 4 stars; one submission).

Conditions:
MHC class II deficiency. Also called: Bare lymphocyte syndrome 2; BLS, TYPE II. Identifiers: Orphanet 572, MedGen C5447452, MONDO:0008855.

Allele frequency attached by ClinVar (database versions not stated): gnomAD exomes below 0.00001.
gnomAD v4.1: 4 of 1,614,088 alleles (0.00025%); highest among the groups gnomAD compares: Non-Finnish European, 0.00034%; no homozygotes.

Submission:

Labcorp Genetics (formerly Invitae), Labcorp
Classification: Uncertain significance for MHC class II deficiency. Last evaluated: 2023-12-11. Review status: criteria provided, single submitter. Criteria: Invitae Variant Classification Sherloc (09022015). Collection method: clinical testing. Allele origin: germline.
Comment: This sequence change replaces proline, which is neutral and non-polar, with serine, which is neutral and polar, at codon 409 of the RFX5 protein (p.Pro409Ser). This variant is not present in population databases (gnomAD no frequency). This variant has not been reported in the literature in individuals affected with RFX5-related conditions. ClinVar contains an entry for this variant (Variation ID: 1515193). Algorithms developed to predict the effect of missense changes on protein structure and function output the following: SIFT: "Not Available"; PolyPhen-2: "Benign"; Align-GVGD: "Not Available". The serine amino acid residue is found in multiple mammalian species, which suggests that this missense change does not adversely affect protein function. In summary, the available evidence is currently insufficient to determine the role of this variant in disease. Therefore, it has been classified as a Variant of Uncertain Significance.